The following is an entry in ClinVar:

NM_030962.4(SBF2):c.38A>T (p.Tyr13Phe)

Genes: SBF2 (SET binding factor 2; minus strand), LOC130005303 (ATAC-STARR-seq lymphoblastoid silent region 3141; plus strand). Cytogenetic location: 11p15.4.
Variant type: single nucleotide variant.
Coding change: c.38A>T on transcript NM_030962.4 (MANE Select); coding-DNA position 38, A replaced by T.
Protein change: p.Tyr13Phe; replaces tyrosine 13 with phenylalanine.
Molecular consequence: missense variant.
Genome position (GRCh38, 1-based): chr11:10,294,032, T>A on the plus strand (A>T on the coding strand, the complement: SBF2 is on the minus strand). VCF-style: chr11-10294032-T-A. GRCh37 (hg19) VCF-style: chr11-10315579-T-A.
Other names: c.38A>T, p.Tyr13Phe (NM_001386339.1, NM_001386342.1); short protein forms Y13F.
Identifiers: ClinVar variation 2075171 (VCV002075171.4), dbSNP rs1591380986, ClinGen allele CA379851591.

ClinVar aggregate classification (germline): Uncertain significance (1 of 4 stars; one submission).

Conditions:
Charcot-Marie-Tooth disease type 4. Also called: Charcot-Marie-Tooth disease, type IV; Charcot-Marie-Tooth, Type 4. Identifiers: Orphanet 64749, MedGen C4082197, MONDO:0018995.

Submission:

Labcorp Genetics (formerly Invitae), Labcorp
Classification: Uncertain significance for Charcot-Marie-Tooth disease type 4. Last evaluated: 2022-05-27. Review status: criteria provided, single submitter. Criteria: Invitae Variant Classification Sherloc (09022015). Collection method: clinical testing. Allele origin: germline.
Comment: This sequence change replaces tyrosine, which is neutral and polar, with phenylalanine, which is neutral and non-polar, at codon 13 of the SBF2 protein (p.Tyr13Phe). In summary, the available evidence is currently insufficient to determine the role of this variant in disease. Therefore, it has been classified as a Variant of Uncertain Significance. Algorithms developed to predict the effect of missense changes on protein structure and function (SIFT, PolyPhen-2, Align-GVGD) all suggest that this variant is likely to be tolerated. This variant has not been reported in the literature in individuals affected with SBF2-related conditions. This variant is not present in population databases (gnomAD no frequency).